The following is an entry in ClinVar:

ClinVar aggregate classification (germline): Uncertain significance (1 of 4 stars; one submission).

Submission:

Labcorp Genetics (formerly Invitae), Labcorp
Classification: Uncertain significance. Last evaluated: 2022-10-08. Review status: criteria provided, single submitter. Criteria: Invitae Variant Classification Sherloc (09022015). Collection method: clinical testing. Allele origin: germline.
Comment: In summary, the available evidence is currently insufficient to determine the role of this variant in disease. Therefore, it has been classified as a Variant of Uncertain Significance. Advanced modeling of protein sequence and biophysical properties (such as structural, functional, and spatial information, amino acid conservation, physicochemical variation, residue mobility, and thermodynamic stability) performed at Invitae indicates that this missense variant is expected to disrupt BEST1 protein function. This variant has not been reported in the literature in individuals affected with BEST1-related conditions. This variant is not present in population databases (gnomAD no frequency). This sequence change replaces leucine, which is neutral and non-polar, with serine, which is neutral and polar, at codon 14 of the BEST1 protein (p.Leu14Ser).

NM_004183.4(BEST1):c.41T>C (p.Leu14Ser)

Gene: BEST1 (bestrophin 1; plus strand). Cytogenetic location: 11q12.3.
Variant type: single nucleotide variant.
Coding change: c.41T>C on transcript NM_004183.4 (MANE Select); coding-DNA position 41, T replaced by C.
Protein change: p.Leu14Ser; replaces leucine 14 with serine.
Molecular consequence: missense variant. On other transcripts: non-coding transcript variant (1), intron variant (6).
Genome position (GRCh38, 1-based): chr11:61,951,847, T>C. VCF-style: chr11-61951847-T-C. GRCh37 (hg19) VCF-style: chr11-61719319-T-C.
Other names: c.41T>C, p.Leu14Ser (NM_001363592.2, NM_001440571.1, NM_001440572.1 and 1 more transcripts); c.-29+1420T>C (NM_001139443.3, NM_001300787.2, NM_001440574.1 and 3 more transcripts); short protein forms L14S.
Identifiers: ClinVar variation 2009970 (VCV002009970.4), dbSNP rs2541332010, ClinGen allele CA380831214.
Genomic context (GRCh38, chr11:61,951,847, plus strand): 5'-CTGCAGCCCACTGCCTGGCCATGACCATCACTTACACAAGCCAAGTGGCTAATGCCCGCT[T>C]AGGCTCCTTCTCCCGCCTGCTGCTGTGCTGGCGGGGCAGCATCTACAAGCTGCTATATGG-3'
Protein context (NP_004174.1, residues 4-24): TYTSQVANAR[Leu14Ser]GSFSRLLLCW